The following is an entry in ClinVar:

NM_032119.4(ADGRV1):c.13785A>T (p.Thr4595=)

Gene: ADGRV1 (adhesion G protein-coupled receptor V1; plus strand). Cytogenetic location: 5q14.3.
Variant type: single nucleotide variant.
Coding change: c.13785A>T on transcript NM_032119.4 (MANE Select); coding-DNA position 13785, A replaced by T.
Protein change: p.Thr4595=; no amino-acid change (threonine 4595 retained).
Molecular consequence: synonymous variant. On other transcripts: non-coding transcript variant (1).
Genome position (GRCh38, 1-based): chr5:90,788,202, A>T. VCF-style: chr5-90788202-A-T. GRCh37 (hg19) VCF-style: chr5-90084019-A-T.
Identifiers: ClinVar variation 3003832 (VCV003003832.4), dbSNP rs1160656214, ClinGen allele CA445415527.
Genomic context (GRCh38, chr5:90,788,202, plus strand): 5'-AGTGAGCGGGTTGTTCTATTTTGGAGAAGGAGAAGGAGGAGTGAGAACCATAATTCTGAC[A>T]ATCTATCCTCATGAAGAAATTGAAGTTGAAGAGACATTCATTATTAAACTTCATCTTGTG-3'
Protein context (NP_115495.3, residues 4585-4605): GEGGVRTIIL[Thr4595=]IYPHEEIEVE

ClinVar aggregate classification (germline): Likely benign. Review status: criteria provided, multiple submitters, no conflicts (2 of 4 stars). 2 submissions from 2 submitters: Likely benign (2). Last evaluated 2026-09-01.

gnomAD v4.1: 1 of 1,613,834 alleles (0.000062%); highest among the groups gnomAD compares: Admixed American, 0.0017%; no homozygotes.

Submissions (2):

CeGaT Center for Human Genetics Tuebingen
Classification: Likely benign. Last evaluated: 2026-09-01. Review status: criteria provided, single submitter. Criteria: CeGaT Center For Human Genetics Tuebingen Variant Classification Criteria Version 2. Collection method: clinical testing. Allele origin: germline. Affected: yes. Observed: 1 variant allele.
Comment: ADGRV1: BP4, BP7

Labcorp Genetics (formerly Invitae), Labcorp
Classification: Likely benign. Last evaluated: 2023-08-18. Review status: criteria provided, single submitter. Criteria: Invitae Variant Classification Sherloc (09022015). Collection method: clinical testing. Allele origin: germline.